The following is an entry in ClinVar:

ClinVar aggregate classification (germline): Uncertain significance (1 of 4 stars; one submission).

gnomAD v4.1: 4 of 1,613,880 alleles (0.00025%); highest among the groups gnomAD compares: Non-Finnish European, 0.00034%; no homozygotes.

Submission:

Labcorp Genetics (formerly Invitae), Labcorp
Classification: Uncertain significance. Last evaluated: 2023-12-11. Review status: criteria provided, single submitter. Criteria: Invitae Variant Classification Sherloc (09022015). Collection method: clinical testing. Allele origin: germline.
Comment: This sequence change replaces glycine, which is neutral and non-polar, with serine, which is neutral and polar, at codon 516 of the SLC13A3 protein (p.Gly516Ser). This variant is not present in population databases (gnomAD no frequency). This variant has not been reported in the literature in individuals affected with SLC13A3-related conditions. ClinVar contains an entry for this variant (Variation ID: 1920475). Advanced modeling of protein sequence and biophysical properties (such as structural, functional, and spatial information, amino acid conservation, physicochemical variation, residue mobility, and thermodynamic stability) performed at Invitae indicates that this missense variant is not expected to disrupt SLC13A3 protein function with a negative predictive value of 80%. In summary, the available evidence is currently insufficient to determine the role of this variant in disease. Therefore, it has been classified as a Variant of Uncertain Significance.

NM_022829.6(SLC13A3):c.1546G>A (p.Gly516Ser)

Gene: SLC13A3 (solute carrier family 13 member 3; minus strand). Cytogenetic location: 20q13.12.
Variant type: single nucleotide variant.
Coding change: c.1546G>A on transcript NM_022829.6 (MANE Select); coding-DNA position 1546, G replaced by A.
Protein change: p.Gly516Ser; replaces glycine 516 with serine.
Molecular consequence: missense variant.
Genome position (GRCh38, 1-based): chr20:46,563,500, C>T on the plus strand (G>A on the coding strand, the complement: SLC13A3 is on the minus strand). VCF-style: chr20-46563500-C-T. GRCh37 (hg19) VCF-style: chr20-45192139-C-T.
Other names: c.1405G>A, p.Gly469Ser (NM_001011554.3); c.1396G>A, p.Gly466Ser (NM_001193339.2); c.1300G>A, p.Gly434Ser (NM_001193340.2); c.1252G>A, p.Gly418Ser (NM_001193342.2); short protein forms G434S, G466S, G418S, G469S, G516S.
Identifiers: ClinVar variation 1920475 (VCV001920475.5), dbSNP rs761477917, ClinGen allele CA315707974.
Genomic context (GRCh38, chr20:46,563,500, plus strand): 5'-AGGCGAAGGCGATGGAGTTGGGGGGCGTTGAGACCGGGAGCATGAAGGCAAAGGAGCAGC[C>T]GACTGTGCCCGGAATCATCAGATACAGGGGGTGCACTCTCAGGCGGATGGCCTGGGCCAG-3'
Protein context (NP_073740.2, residues 506-526): PLYLMIPGTV[Gly516Ser]CSFAFMLPVS